The following is an entry in ClinVar:

NM_001854.4(COL11A1):c.3836G>T (p.Gly1279Val)

Gene: COL11A1 (collagen type XI alpha 1 chain; minus strand). Cytogenetic location: 1p21.1.
Variant type: single nucleotide variant.
Coding change: c.3836G>T on transcript NM_001854.4 (MANE Select); coding-DNA position 3836, G replaced by T.
Protein change: p.Gly1279Val; replaces glycine 1279 with valine.
Molecular consequence: missense variant. On other transcripts: non-coding transcript variant (1).
Genome position (GRCh38, 1-based): chr1:102,914,792, C>A on the plus strand (G>T on the coding strand, the complement: COL11A1 is on the minus strand). VCF-style: chr1-102914792-C-A. GRCh37 (hg19) VCF-style: chr1-103380348-C-A.
Other names: c.3719G>T, p.Gly1240Val (NM_001190709.2); c.3872G>T, p.Gly1291Val (NM_080629.3); c.3488G>T, p.Gly1163Val (NM_080630.4); short protein forms G1163V, G1240V, G1279V, G1291V.
Identifiers: ClinVar variation 3666346 (VCV003666346.2).

ClinVar aggregate classification (germline): Uncertain significance (1 of 4 stars; one submission).

Submission:

Labcorp Genetics (formerly Invitae), Labcorp
Classification: Uncertain significance. Last evaluated: 2025-02-28. Review status: criteria provided, single submitter. Criteria: Invitae Variant Classification Sherloc (09022015). Collection method: clinical testing. Allele origin: germline.
Comment: This sequence change replaces glycine, which is neutral and non-polar, with valine, which is neutral and non-polar, at codon 1279 of the COL11A1 protein (p.Gly1279Val). This variant is not present in population databases (gnomAD no frequency). This variant has not been reported in the literature in individuals affected with COL11A1-related conditions. Invitae Evidence Modeling of protein sequence and biophysical properties (such as structural, functional, and spatial information, amino acid conservation, physicochemical variation, residue mobility, and thermodynamic stability) indicates that this missense variant is expected to disrupt COL11A1 protein function with a positive predictive value of 80%. In summary, the available evidence is currently insufficient to determine the role of this variant in disease. Therefore, it has been classified as a Variant of Uncertain Significance.